The following is an entry in ClinVar:

NM_001354930.2(RIPK1):c.995G>A (p.Arg332Gln)

Gene: RIPK1 (receptor interacting serine/threonine kinase 1; plus strand). Cytogenetic location: 6p25.2.
Variant type: single nucleotide variant.
Coding change: c.995G>A on transcript NM_001354930.2 (MANE Select); coding-DNA position 995, G replaced by A.
Protein change: p.Arg332Gln; replaces arginine 332 with glutamine.
Molecular consequence: missense variant.
Genome position (GRCh38, 1-based): chr6:3,104,304, G>A. VCF-style: chr6-3104304-G-A. GRCh37 (hg19) VCF-style: chr6-3104538-G-A.
Other names: c.506G>A, p.Arg169Gln (NM_001317061.3, NM_001354932.2, NM_001354933.2 and 1 more transcripts); c.857G>A, p.Arg286Gln (NM_001354931.2); c.995G>A, p.Arg332Gln (NM_003804.6); c.995G>A (NM_003804.3); short protein forms R169Q, R286Q, R332Q.
Identifiers: ClinVar variation 1523105 (VCV001523105.7), dbSNP rs755668565, ClinGen allele CA3618351.

ClinVar aggregate classification (germline): Uncertain significance. Review status: criteria provided, multiple submitters, no conflicts (2 of 4 stars). 2 submissions from 2 submitters: Uncertain significance (2). Last evaluated 2025-07-15.

Conditions:
Inborn genetic diseases. Identifiers: MedGen C0950123, MeSH D030342.

Allele frequency attached by ClinVar (database versions not stated): ExAC 0.00002; gnomAD 0.00001 and 0.00002; gnomAD exomes 0.00001.
gnomAD v4.1: 20 of 1,575,590 alleles (0.0013%); highest among the groups gnomAD compares: Admixed American, 0.0017%; no homozygotes.

Submissions (2):

Labcorp Genetics (formerly Invitae), Labcorp
Classification: Uncertain significance. Last evaluated: 2025-07-15. Review status: criteria provided, single submitter. Criteria: Invitae Variant Classification Sherloc (09022015). Collection method: clinical testing. Allele origin: germline.
Comment: This sequence change replaces arginine, which is basic and polar, with glutamine, which is neutral and polar, at codon 332 of the RIPK1 protein (p.Arg332Gln). This variant is present in population databases (rs755668565, gnomAD 0.002%). This variant has not been reported in the literature in individuals affected with RIPK1-related conditions. ClinVar contains an entry for this variant (Variation ID: 1523105). An algorithm developed to predict the effect of missense changes on protein structure and function (PolyPhen-2) suggests that this variant is likely to be disruptive. In summary, the available evidence is currently insufficient to determine the role of this variant in disease. Therefore, it has been classified as a Variant of Uncertain Significance.

Ambry Genetics
Classification: Uncertain significance for Inborn genetic diseases. Last evaluated: 2022-11-30. Review status: criteria provided, single submitter. Criteria: Ambry Variant Classification Scheme 2023. Collection method: clinical testing. Allele origin: germline.